The following is an entry in ClinVar:

NM_001257180.2(SLC20A2):c.21del (p.Leu7fs)

Gene: SLC20A2 (solute carrier family 20 member 2; minus strand). Cytogenetic location: 8p11.21.
Variant type: Deletion.
Coding change: c.21del on transcript NM_001257180.2 (MANE Select); coding-DNA position 21, one base deleted (G; older notation c.21delG).
Protein change: p.Leu7fs; shifts the reading frame from leucine 7.
Molecular consequence: frameshift variant.
Genome position (GRCh38, 1-based): chr8:42,472,370, C deleted on the plus strand (G on the coding strand, the reverse complement: SLC20A2 is on the minus strand). VCF-style (leftmost placement, unchanged base first): chr8-42472369-AC-A. GRCh37 (hg19) VCF-style: chr8-42329887-AC-A.
Other names: c.21del, p.Leu7fs (NM_001257181.2, NM_006749.5); short protein forms L7fs.
Identifiers: ClinVar variation 634898 (VCV000634898.4), dbSNP rs1563498184, ClinGen allele CA913190097.

ClinVar aggregate classification (germline): Pathogenic. Review status: criteria provided, single submitter (1 of 4 stars). 2 submissions from 2 submitters: Pathogenic (1). 1 of the submissions does not count toward it. Last evaluated 2024-03-05.

Conditions:
Idiopathic basal ganglia calcification 1 (PFBC1A). Also called: PRIMARY FAMILIAL BRAIN CALCIFICATION 1A, AUTOSOMAL DOMINANT; Fahr's syndrome; Familial Idiopathic Basal Ganglia Calcification 3; Primary Familial Brain Calcification; Familial Idiopathic Basal Ganglia Calcification 2; Cerebral calcification nonarteriosclerotic idiopathic adult-onset. Identifiers: Orphanet 1980, MedGen C4551624, MONDO:0024538, OMIM 213600.

Submissions (2):

Labcorp Genetics (formerly Invitae), Labcorp
Classification: Pathogenic. Last evaluated: 2024-03-05. Review status: criteria provided, single submitter. Criteria: Invitae Variant Classification Sherloc (09022015). Collection method: clinical testing. Allele origin: germline.
Comment: This sequence change creates a premature translational stop signal (p.Leu7Phefs*10) in the SLC20A2 gene. It is expected to result in an absent or disrupted protein product. Loss-of-function variants in SLC20A2 are known to be pathogenic (PMID: 23334463). This variant is not present in population databases (gnomAD no frequency). This premature translational stop signal has been observed in individual(s) with primary familial brain calcification (PMID: 31501477). ClinVar contains an entry for this variant (Variation ID: 634898). For these reasons, this variant has been classified as Pathogenic.

Laboratory of Medical Genetics, University of Torino
Classification: Likely pathogenic for Idiopathic basal ganglia calcification 1. Last evaluated: 2018-11-30. Review status: no assertion criteria provided. Collection method: clinical testing. Allele origin: germline. Affected: yes. Observed: 1 variant allele. Not counted in ClinVar's aggregate classification.

Literature cited by the submitters: PubMed 23334463 (cited by Labcorp Genetics (formerly Invitae), Labcorp); PubMed 31501477 (cited by Labcorp Genetics (formerly Invitae), Labcorp).